The following is an entry in ClinVar:

NM_006950.3(SYN1):c.1161G>A (p.Val387=)

Gene: SYN1 (synapsin I; minus strand). Cytogenetic location: Xp11.3.
Variant type: single nucleotide variant.
Coding change: c.1161G>A on transcript NM_006950.3 (MANE Select); coding-DNA position 1161, G replaced by A.
Protein change: p.Val387=; no amino-acid change (valine 387 retained).
Molecular consequence: synonymous variant.
Genome position (GRCh38, 1-based): chrX:47,575,272, C>T on the plus strand (G>A on the coding strand, the complement: SYN1 is on the minus strand). VCF-style: chrX-47575272-C-T. GRCh37 (hg19) VCF-style: chrX-47434671-C-T.
Other names: c.1161G>A, p.Val387= (NM_133499.2).
Identifiers: ClinVar variation 1491264 (VCV001491264.8), dbSNP rs2057774095, ClinGen allele CA515991982.
Genomic context (GRCh38, chrX:47,575,272, plus strand): 5'-TACGATGAGCTGTTTGTCTTCATCCTGGTGGTCACCAATGAGCGGCATGGAGGAACCCAC[C>T]ACCTGGGGGAAGGAAAGGATCCGTGAGGGGAGAGGCAGGCCTCGCACCTGAGGCGGCAGT-3'
Protein context (NP_008881.2, residues 377-397): GKDGRDHIIE[Val387=]VGSSMPLIGD

ClinVar aggregate classification (germline): Uncertain significance (1 of 4 stars; one submission).

Conditions:
Epilepsy, X-linked 1, with variable learning disabilities and behavior disorders. Also called: X-linked epilepsy-learning disabilities-behavior disorders syndrome. Identifiers: Orphanet 85294, MedGen C5774177, MONDO:0010339, OMIM 300491.

Allele frequency attached by ClinVar (database versions not stated): gnomAD exomes 0.00001.

Submission:

Labcorp Genetics (formerly Invitae), Labcorp
Classification: Uncertain significance for Epilepsy, X-linked 1, with variable learning disabilities and behavior disorders. Last evaluated: 2021-01-08. Review status: criteria provided, single submitter. Criteria: Invitae Variant Classification Sherloc (09022015). Collection method: clinical testing. Allele origin: germline.
Comment: This variant is not present in population databases (ExAC no frequency). This sequence change affects codon 387 of the SYN1 mRNA. It is a 'silent' change, meaning that it does not change the encoded amino acid sequence of the SYN1 protein. This variant has not been reported in the literature in individuals with SYN1-related conditions. In summary, the available evidence is currently insufficient to determine the role of this variant in disease. Therefore, it has been classified as a Variant of Uncertain Significance. Algorithms developed to predict the effect of sequence changes on RNA splicing suggest that this variant may create or strengthen a splice site, but this prediction has not been confirmed by published transcriptional studies.